The following is an entry in ClinVar:

NM_080473.5(GATA5):c.352G>A (p.Gly118Ser)

Gene: GATA5 (GATA binding protein 5; minus strand). Cytogenetic location: 20q13.33.
Variant type: single nucleotide variant.
Coding change: c.352G>A on transcript NM_080473.5 (MANE Select); coding-DNA position 352, G replaced by A.
Protein change: p.Gly118Ser; replaces glycine 118 with serine.
Molecular consequence: missense variant.
Genome position (GRCh38, 1-based): chr20:62,475,170, C>T on the plus strand (G>A on the coding strand, the complement: GATA5 is on the minus strand). VCF-style: chr20-62475170-C-T. GRCh37 (hg19) VCF-style: chr20-61050226-C-T.
Other names: short protein forms G118S.
Identifiers: ClinVar variation 3691143 (VCV003691143.2).

ClinVar aggregate classification (germline): Uncertain significance (1 of 4 stars; one submission).

Submission:

Labcorp Genetics (formerly Invitae), Labcorp
Classification: Uncertain significance. Last evaluated: 2024-07-23. Review status: criteria provided, single submitter. Criteria: Invitae Variant Classification Sherloc (09022015). Collection method: clinical testing. Allele origin: germline.
Comment: This sequence change replaces glycine, which is neutral and non-polar, with serine, which is neutral and polar, at codon 118 of the GATA5 protein (p.Gly118Ser). This variant is not present in population databases (gnomAD no frequency). This variant has not been reported in the literature in individuals affected with GATA5-related conditions. Advanced modeling of protein sequence and biophysical properties (such as structural, functional, and spatial information, amino acid conservation, physicochemical variation, residue mobility, and thermodynamic stability) performed at Invitae indicates that this missense variant is not expected to disrupt GATA5 protein function with a negative predictive value of 80%. In summary, the available evidence is currently insufficient to determine the role of this variant in disease. Therefore, it has been classified as a Variant of Uncertain Significance.